The following is an entry in ClinVar:

ClinVar aggregate classification (germline): Uncertain significance (1 of 4 stars; one submission).

Conditions:
Progressive myoclonic epilepsy. Also called: Familial progressive myoclonic epilepsy; Myoclonic Epilepsies, Progressive; Progressive myoclonus epilepsy; Myoclonus epilepsy. Identifiers: Orphanet 308, Orphanet 98261, MedGen C0751778, MONDO:0020074.

Submission:

Labcorp Genetics (formerly Invitae), Labcorp
Classification: Uncertain significance for Progressive myoclonic epilepsy. Last evaluated: 2022-01-28. Review status: criteria provided, single submitter. Criteria: Invitae Variant Classification Sherloc (09022015). Collection method: clinical testing. Allele origin: germline.
Comment: In summary, the available evidence is currently insufficient to determine the role of this variant in disease. Therefore, it has been classified as a Variant of Uncertain Significance. Algorithms developed to predict the effect of missense changes on protein structure and function are either unavailable or do not agree on the potential impact of this missense change (SIFT: "Deleterious"; PolyPhen-2: "Possibly Damaging"; Align-GVGD: "Class C0"). ClinVar contains an entry for this variant (Variation ID: 962202). This variant has not been reported in the literature in individuals affected with EPM2A-related conditions. This variant is not present in population databases (gnomAD no frequency). This sequence change replaces proline, which is neutral and non-polar, with glutamine, which is neutral and polar, at codon 34 of the EPM2A protein (p.Pro34Gln).

NM_005670.4(EPM2A):c.101C>A (p.Pro34Gln)

Genes: EPM2A (EPM2A glucan phosphatase, laforin; minus strand), EPM2A-DT (EPM2A divergent transcript; plus strand), LOC129997381 (ATAC-STARR-seq lymphoblastoid silent region 17642; plus strand). Cytogenetic location: 6q24.3.
Variant type: single nucleotide variant.
Coding change: c.101C>A on transcript NM_005670.4 (MANE Select); coding-DNA position 101, C replaced by A.
Protein change: p.Pro34Gln; replaces proline 34 with glutamine.
Molecular consequence: missense variant. On other transcripts: 5 prime UTR variant (3), intron variant (1).
Genome position (GRCh38, 1-based): chr6:145,735,398, G>T on the plus strand (C>A on the coding strand, the complement: EPM2A is on the minus strand). VCF-style: chr6-145735398-G-T. GRCh37 (hg19) VCF-style: chr6-146056534-G-T.
Other names: c.101C>A, p.Pro34Gln (NM_001018041.2, NM_001360057.2, NM_001368130.1); c.-569C>A (NM_001360071.2); c.-523C>A (NM_001368129.2); c.-267C>A (NM_001368131.1); c.-114+510C>A (NM_001360064.2); short protein forms P34Q.
Identifiers: ClinVar variation 962202 (VCV000962202.10), dbSNP rs1776814515, ClinGen allele CA366188382.
Genomic context (GRCh38, chr6:145,735,398, plus strand): 5'-AGGGCCAGGGCCCCGTCGCCCGCCGCGGTGCCGGCCGGCCTCAGGCGGACGGCACCGCGC[G>T]GCTCCCAACGCCCCAGCTCGGGCCGCGACCCCACCACCAGCAGCTCCGGCCGGGCGCCGG-3'
Protein context (NP_005661.1, residues 24-44): GSRPELGRWE[Pro34Gln]RGAVRLRPAG